The following is an entry in ClinVar:

ClinVar aggregate classification (germline): Uncertain significance (1 of 4 stars; one submission).

Conditions:
Neuroblastoma, susceptibility to, 3. Also called: ALK-Related Neuroblastic Tumor Susceptibility. Identifiers: Orphanet 635, MedGen C2751681, MONDO:0013083, OMIM 613014.

Allele frequency attached by ClinVar (database versions not stated): gnomAD exomes below 0.00001.
gnomAD v4.1: 4 of 1,614,090 alleles (0.00025%); highest among the groups gnomAD compares: Non-Finnish European, 0.00034%; no homozygotes.

Submission:

Labcorp Genetics (formerly Invitae), Labcorp
Classification: Uncertain significance for Neuroblastoma, susceptibility to, 3. Last evaluated: 2022-02-18. Review status: criteria provided, single submitter. Criteria: Invitae Variant Classification Sherloc (09022015). Collection method: clinical testing. Allele origin: germline.
Comment: In summary, the available evidence is currently insufficient to determine the role of this variant in disease. Therefore, it has been classified as a Variant of Uncertain Significance. Algorithms developed to predict the effect of sequence changes on RNA splicing suggest that this variant may disrupt the consensus splice site. This variant has not been reported in the literature in individuals affected with ALK-related conditions. This variant is not present in population databases (gnomAD no frequency). This sequence change affects a donor splice site in intron 5 of the ALK gene. It is expected to disrupt RNA splicing. Variants that disrupt the donor or acceptor splice site typically lead to a loss of protein function (PMID: 16199547), however the current clinical and genetic evidence is not sufficient to establish whether loss-of-function variants in ALK cause disease.

Literature cited by the submitters: PubMed 16199547.

NM_004304.5(ALK):c.1282+1G>A

Gene: ALK (ALK receptor tyrosine kinase; minus strand). Cytogenetic location: 2p23.2.
Variant type: single nucleotide variant.
Coding change: c.1282+1G>A on transcript NM_004304.5 (MANE Select); the canonical splice donor site of the intron after coding-DNA position 1282, G replaced by A.
Molecular consequence: splice donor variant.
Genome position (GRCh38, 1-based): chr2:29,383,731, C>T on the plus strand (G>A on the coding strand, the complement: ALK is on the minus strand). VCF-style: chr2-29383731-C-T. GRCh37 (hg19) VCF-style: chr2-29606597-C-T.
Identifiers: ClinVar variation 2098176 (VCV002098176.4), dbSNP rs1272432889, ClinGen allele CA346584990.